The following is an entry in ClinVar:

ClinVar aggregate classification (germline): Likely benign (1 of 4 stars; one submission).

Submission:

Women's Health and Genetics/Laboratory Corporation of America, LabCorp
Classification: Likely benign. Last evaluated: 2026-01-19. Review status: criteria provided, single submitter. Criteria: LabCorp Variant Classification Summary - May 2015. Collection method: clinical testing. Allele origin: germline.
Comment: Variant summary: SLC5A7 c.300G>C alters a conserved nucleotide resulting in a synonymous change. Consensus agreement among computation tools predict no significant impact on normal splicing. However, these predictions have yet to be confirmed by functional studies. The variant was absent in 251224 control chromosomes. The available data on variant occurrences in the general population are insufficient to allow any conclusion about variant significance. To our knowledge, no occurrence of c.300G>C in individuals affected with SLC5A7-related conditions and no experimental evidence demonstrating its impact on protein function have been reported. No submitters have cited clinical-significance assessments for this variant to ClinVar. Based on the evidence outlined above, the variant was classified as likely benign.

NM_021815.5(SLC5A7):c.300G>C (p.Leu100=)

Gene: SLC5A7 (solute carrier family 5 member 7; plus strand). Cytogenetic location: 2q12.3.
Variant type: single nucleotide variant.
Coding change: c.300G>C on transcript NM_021815.5 (MANE Select); coding-DNA position 300, G replaced by C.
Protein change: p.Leu100=; no amino-acid change (leucine 100 retained).
Molecular consequence: synonymous variant. On other transcripts: 5 prime UTR variant (2).
Genome position (GRCh38, 1-based): chr2:107,992,979, G>C. VCF-style: chr2-107992979-G-C. GRCh37 (hg19) VCF-style: chr2-108609435-G-C.
Other names: c.300G>C, p.Leu100= (NM_001305005.3); c.-16G>C (NM_001305006.3); c.-405G>C (NM_001305007.3).
Identifiers: ClinVar variation 4689280 (VCV004689280.1).